The following is an entry in ClinVar:

NM_004006.3(DMD):c.6071G>C (p.Cys2024Ser)

Gene: DMD (dystrophin; minus strand). Cytogenetic location: Xp21.1.
Variant type: single nucleotide variant.
Coding change: c.6071G>C on transcript NM_004006.3 (MANE Select); coding-DNA position 6071, G replaced by C.
Protein change: p.Cys2024Ser; replaces cysteine 2024 with serine.
Molecular consequence: missense variant.
Genome position (GRCh38, 1-based): chrX:32,310,128, C>G on the plus strand (G>C on the coding strand, the complement: DMD is on the minus strand). VCF-style: chrX-32310128-C-G. GRCh37 (hg19) VCF-style: chrX-32328245-C-G.
Other names: c.6047G>C, p.Cys2016Ser (NM_000109.4); c.6059G>C, p.Cys2020Ser (NM_004009.3); c.5702G>C, p.Cys1901Ser (NM_004010.3); c.2048G>C, p.Cys683Ser (NM_004011.4); c.2039G>C, p.Cys680Ser (NM_004012.4); short protein forms C1901S, C2016S, C2020S, C2024S, C680S, C683S.
Identifiers: ClinVar variation 3236634 (VCV003236634.1), dbSNP rs2520267246, ClinGen allele CA412669642.
Genomic context (GRCh38, chrX:32,310,128, plus strand): 5'-TGCTTTGGTTTTACCTTCAGAGACTCCTCTTGCTTAAAGAGATCTTCAAAGTCCTTAGCA[C>G]AGAGGTCAGGAGCATTGAGAAGTTGTTCCACTTCTAATAGGGCTTGTGAGACATGAGTGA-3'
Protein context (NP_003997.2, residues 2014-2034): VEQLLNAPDL[Cys2024Ser]AKDFEDLFKQ

ClinVar aggregate classification (germline): Uncertain significance (1 of 4 stars; one submission).

Conditions:
Duchenne muscular dystrophy (DMD). Also called: MUSCULAR DYSTROPHY, PSEUDOHYPERTROPHIC PROGRESSIVE, DUCHENNE TYPE; Duchenne Muscular Dystrophy (DMD). Identifiers: Orphanet 98896, MedGen C0013264, MONDO:0010679, OMIM 310200.
Becker muscular dystrophy (BMD). Also called: MUSCULAR DYSTROPHY, PSEUDOHYPERTROPHIC PROGRESSIVE, BECKER TYPE; Becker Muscular Dystrophy (BMD). Identifiers: Orphanet 98895, MedGen C0917713, MONDO:0010311, OMIM 300376.

Submission:

Clinical Genomics Laboratory, Washington University in St. Louis
Classification: Uncertain significance for Becker muscular dystrophy; Duchenne muscular dystrophy. Last evaluated: 2024-05-09. Review status: criteria provided, single submitter. Criteria: ACMG Guidelines, 2015. Collection method: clinical testing. Allele origin: germline.
Comment: The DMD c.6071G>C (p.Cys2024Ser) variant, to our knowledge, has not been reported in the medical literature and is absent from the general population (gnomAD v.2.1.1), indicating it is not a common variant. Computational predictors suggest that the variant does not impact DMD function. Due to limited information, and based on ACMG/AMP guidelines for variant interpretation (Richards S et al., PMID: 25741868), the clinical significance of this variant is uncertain at this time.